The following is an entry in ClinVar:

ClinVar aggregate classification (germline): Pathogenic (1 of 4 stars; one submission).

Submission:

Labcorp Genetics (formerly Invitae), Labcorp
Classification: Pathogenic. Last evaluated: 2024-01-03. Review status: criteria provided, single submitter. Criteria: Invitae Variant Classification Sherloc (09022015). Collection method: clinical testing. Allele origin: germline.
Comment: This sequence change creates a premature translational stop signal (p.Asn1135*) in the ATR gene. It is expected to result in an absent or disrupted protein product. Loss-of-function variants in ATR are known to be pathogenic (PMID: 21228398, 23144622). This variant is present in population databases (no rsID available, gnomAD 0.007%). This variant has not been reported in the literature in individuals affected with ATR-related conditions. ClinVar contains an entry for this variant (Variation ID: 1076770). For these reasons, this variant has been classified as Pathogenic.

Literature cited by the submitters: PubMed 21228398; PubMed 23144622.

NM_001184.4(ATR):c.3402dup (p.Asn1135Ter)

Gene: ATR (ATR checkpoint kinase; minus strand). Cytogenetic location: 3q23.
Variant type: Duplication.
Coding change: c.3402dup on transcript NM_001184.4 (MANE Select); coding-DNA position 3402, one base duplicated (T; older notation c.3402dupT).
Protein change: p.Asn1135Ter; replaces asparagine 1135 with a stop codon.
Molecular consequence: nonsense.
Genome position (GRCh38, 1-based): chr3:142,542,713, A duplicated on the plus strand (T on the coding strand, the reverse complement: ATR is on the minus strand); the first of 7 consecutive A bases (chr3:142,542,713-142,542,719); duplicating any one gives the same sequence. VCF-style (leftmost placement, unchanged base first): chr3-142542712-T-TA. GRCh37 (hg19) VCF-style: chr3-142261554-T-TA.
Other names: c.3210dup, p.Asn1071Ter (NM_001354579.2); short protein forms N1071*, N1135*.
Identifiers: ClinVar variation 1076770 (VCV001076770.7), dbSNP rs1043355995, ClinGen allele CA84738577.